The following is an entry in ClinVar:

ClinVar aggregate classification (germline): Uncertain significance. Review status: criteria provided, multiple submitters, no conflicts (2 of 4 stars). 3 submissions from 3 submitters: Uncertain significance (3). Last evaluated 2025-06-26.

Conditions:
Inborn genetic diseases. Identifiers: MedGen C0950123, MeSH D030342.
Lethal polymalformative syndrome, Boissel type. Also called: GROWTH RETARDATION, DEVELOPMENTAL DELAY, AND FACIAL DYSMORPHISM. Identifiers: Orphanet 210144, MedGen C2752001, MONDO:0013050, OMIM 612938.

Allele frequency attached by ClinVar (database versions not stated): gnomAD exomes 0.00002 and 0.00006; TOPMed 0.00003; gnomAD 0.00004 and 0.00005.
gnomAD v4.1: 102 of 1,613,710 alleles (0.0063%); highest among the groups gnomAD compares: Non-Finnish European, 0.0079%; no homozygotes.

Submissions (3):

GeneDx
Classification: Uncertain significance. Last evaluated: 2025-06-26. Review status: criteria provided, single submitter. Criteria: GeneDx Variant Classification Process June 2021. Collection method: clinical testing. Allele origin: germline. Affected: yes.
Comment: Not observed at significant frequency in large population cohorts (gnomAD); In silico analysis supports that this missense variant has a deleterious effect on protein structure/function; Has not been previously published as pathogenic or benign to our knowledge

Ambry Genetics
Classification: Uncertain significance for Inborn genetic diseases. Last evaluated: 2025-04-06. Review status: criteria provided, single submitter. Criteria: Ambry Variant Classification Scheme 2023. Collection method: clinical testing. Allele origin: germline.

Illumina Laboratory Services, Illumina
Classification: Uncertain significance for Lethal polymalformative syndrome, Boissel type. Last evaluated: 2018-01-12. Review status: criteria provided, single submitter. Criteria: ICSL Variant Classification Criteria 13 December 2019. Collection method: clinical testing. Allele origin: germline.

NM_001080432.3(FTO):c.1073C>T (p.Ser358Phe)

Gene: FTO (FTO alpha-ketoglutarate dependent dioxygenase; plus strand). Cytogenetic location: 16q12.2.
Variant type: single nucleotide variant.
Coding change: c.1073C>T on transcript NM_001080432.3 (MANE Select); coding-DNA position 1073, C replaced by T.
Protein change: p.Ser358Phe; replaces serine 358 with phenylalanine.
Molecular consequence: missense variant. On other transcripts: intron variant (2).
Genome position (GRCh38, 1-based): chr16:53,879,941, C>T. VCF-style: chr16-53879941-C-T. GRCh37 (hg19) VCF-style: chr16-53913853-C-T.
Other names: c.1103C>T, p.Ser368Phe (NM_001363891.2); c.1073C>T, p.Ser358Phe (NM_001363894.2, NM_001363896.2, NM_001363903.2 and 4 more transcripts); c.995C>T, p.Ser332Phe (NM_001363897.2); c.959C>T, p.Ser320Phe (NM_001363899.2); c.929C>T, p.Ser310Phe (NM_001363901.2); c.560C>T, p.Ser187Phe (NM_001363905.2); c.1005+6076C>T (NM_001363898.2); c.975+6076C>T (NM_001363900.2); short protein forms S187F, S358F, S320F, S332F, S310F, S368F.
Identifiers: ClinVar variation 885847 (VCV000885847.6), dbSNP rs921941344, ClinGen allele CA281970430.
Genomic context (GRCh38, chr16:53,879,941, plus strand): 5'-GTCAGTTGGCTCTGCAGAATGTCTGTGACGATGTGGACAATGATGATGTCTCTTTGAAAT[C>T]CTTTGAGCCTGCAGTTTTGAAACAAGGAGAAGAAATTCATAATGAGGTAAGGACTTTCTT-3'
Protein context (NP_001073901.1, residues 348-368): DVDNDDVSLK[Ser358Phe]FEPAVLKQGE